The following is an entry in ClinVar:

NM_001939.3(DRP2):c.2232C>G (p.Ser744=)

Gene: DRP2 (dystrophin related protein 2; plus strand). Cytogenetic location: Xq22.1.
Variant type: single nucleotide variant.
Coding change: c.2232C>G on transcript NM_001939.3 (MANE Select); coding-DNA position 2232, C replaced by G.
Protein change: p.Ser744=; no amino-acid change (serine 744 retained).
Molecular consequence: synonymous variant.
Genome position (GRCh38, 1-based): chrX:101,255,235, C>G. VCF-style: chrX-101255235-C-G. GRCh37 (hg19) VCF-style: chrX-100510224-C-G.
Other names: c.1998C>G, p.Ser666= (NM_001171184.2).
Identifiers: ClinVar variation 3026670 (VCV003026670.22), dbSNP rs2520289610, ClinGen allele CA517533648.

ClinVar aggregate classification (germline): Likely benign (1 of 4 stars; one submission).

Submission:

CeGaT Center for Human Genetics Tuebingen
Classification: Likely benign. Last evaluated: 2023-12-01. Review status: criteria provided, single submitter. Criteria: CeGaT Center For Human Genetics Tuebingen Variant Classification Criteria Version 2. Collection method: clinical testing. Allele origin: germline. Affected: yes. Observed: 1 variant allele.
Comment: DRP2: PM2:Supporting, BP4, BP7